The following is an entry in ClinVar:

ClinVar aggregate classification (germline): Pathogenic/Likely pathogenic. Review status: criteria provided, multiple submitters, no conflicts (2 of 4 stars). 2 submissions from 2 submitters: Pathogenic (1); Likely pathogenic (1). Last evaluated 2025-03-07.

Conditions:
Cerebrooculofacioskeletal syndrome 2 (COFS2). Identifiers: MedGen C1853102, MONDO:0012553, OMIM 610756.
ERCC2-related disorder. Also called: ERCC2-related conditions; ERCC2-related condition; ERCC2-related disorders. Identifiers: MedGen CN239291.

Submissions (2):

Myriad Genetics, Inc.
Classification: Pathogenic for ERCC2-related disorder. Last evaluated: 2025-03-07. Review status: criteria provided, single submitter. Criteria: Myriad Autosomal Dominant, Autosomal Recessive and X-Linked Classification Criteria (2023). Collection method: clinical testing. Allele origin: unknown.
Comment: NM_000400.3(ERCC2):c.2092C>T(Q698*) is a nonsense variant classified as pathogenic in the context of ERCC2-related disorders. Q698* has been observed in a case with relevant disease (PMID: 27862069). Relevant functional assessments of this variant are not available in the literature. Q698* has not been observed in referenced population frequency databases. In summary, NM_000400.3(ERCC2):c.2092C>T(Q698*) is a nonsense variant in a gene where loss of function is a known mechanism of disease, is predicted to disrupt protein function, and has been observed more frequently in cases with the relevant disease than in healthy populations. Please note: this variant was assessed in the context of healthy population screening.

Equipe Genetique des Anomalies du Developpement, Université de Bourgogne
Classification: Likely pathogenic for Cerebrooculofacioskeletal syndrome 2. Last evaluated: 2014-01-09. Review status: criteria provided, single submitter. Criteria: ACMG Guidelines, 2015. Collection method: clinical testing. Allele origin: unknown. Affected: yes. Study: Clinvar_gadteam_Clinical_exome_analysis_3.

Literature cited by the submitters: PubMed 27862069 (cited by Myriad Genetics, Inc.).

NM_000400.4(ERCC2):c.2092C>T (p.Gln698Ter)

Gene: ERCC2 (ERCC excision repair 2, TFIIH core complex helicase subunit; minus strand). Cytogenetic location: 19q13.32.
Variant type: single nucleotide variant.
Coding change: c.2092C>T on transcript NM_000400.4 (MANE Select); coding-DNA position 2092, C replaced by T.
Protein change: p.Gln698Ter; replaces glutamine 698 with a stop codon.
Molecular consequence: nonsense.
Genome position (GRCh38, 1-based): chr19:45,352,307, G>A on the plus strand (C>T on the coding strand, the complement: ERCC2 is on the minus strand). VCF-style: chr19-45352307-G-A. GRCh37 (hg19) VCF-style: chr19-45855565-G-A.
Other names: short protein forms Q698*.
Identifiers: ClinVar variation 559886 (VCV000559886.2), dbSNP rs1555775416, ClinGen allele CA406362328.